The following is an entry in ClinVar:

ClinVar aggregate classification (germline): Uncertain significance (1 of 4 stars; one submission).

Submission:

Women's Health and Genetics/Laboratory Corporation of America, LabCorp
Classification: Uncertain significance. Last evaluated: 2026-01-12. Review status: criteria provided, single submitter. Criteria: LabCorp Variant Classification Summary - May 2015. Collection method: clinical testing. Allele origin: germline.
Comment: Variant summary: The variant involves the deletion of exons 10-11 in the CD96 gene. A presumed nomenclature of c.(1228+1_1229-1)_(1369+1_1370-1)del has been designated for the purposes of this classification. This Copy Number Variant (CNV) is predicted to result in an in-frame deletion within this gene. Current evidence is not sufficient to establish loss of function as a mechanism for disease. The variant was absent in 21694 control chromosomes. The available data on variant occurrences in the general population are insufficient to allow any conclusion about variant significance. To our knowledge, no occurrence of c.(1228+1_1229-1)_(1369+1_1370-1)del in individuals affected with CD96-related conditions and no experimental evidence demonstrating its impact on protein function have been reported. No submitters have cited clinical-significance assessments for this variant to ClinVar. Based on the evidence outlined above, the variant was classified as uncertain significance.

NC_000003.11:g.(111325640_111342600)_(111343252_111356042)del

Gene: CD96 (CD96 molecule; plus strand). Cytogenetic location: 3q13.2.
Variant type: Deletion.
Identifiers: ClinVar variation 4689451 (VCV004689451.1).